The following is an entry in ClinVar:

NM_201384.3(PLEC):c.1415G>T (p.Arg472Leu)

Gene: PLEC (plectin; minus strand). Cytogenetic location: 8q24.3.
Variant type: single nucleotide variant.
Coding change: c.1415G>T on transcript NM_201384.3 (MANE Select); coding-DNA position 1415, G replaced by T.
Protein change: p.Arg472Leu; replaces arginine 472 with leucine.
Molecular consequence: missense variant.
Genome position (GRCh38, 1-based): chr8:143,933,200, C>A on the plus strand (G>T on the coding strand, the complement: PLEC is on the minus strand). VCF-style: chr8-143933200-C-A. GRCh37 (hg19) VCF-style: chr8-145007368-C-A.
Other names: c.1496G>T, p.Arg499Leu (NM_000445.5); c.1373G>T, p.Arg458Leu (NM_201378.4); c.1349G>T, p.Arg450Leu (NM_201379.3); c.1826G>T, p.Arg609Leu (NM_201380.4); c.1319G>T, p.Arg440Leu (NM_201381.3); c.1415G>T, p.Arg472Leu (NM_201382.4); c.1427G>T, p.Arg476Leu (NM_201383.3); short protein forms R450L, R472L, R609L, R458L, R476L, R499L, R440L.
Identifiers: ClinVar variation 661577 (VCV000661577.8), dbSNP rs374962842, ClinGen allele CA372581835.

ClinVar aggregate classification (germline): Uncertain significance. Review status: criteria provided, multiple submitters, no conflicts (2 of 4 stars). 2 submissions from 2 submitters: Uncertain significance (2). Last evaluated 2023-09-11.

Conditions:
Epidermolysis bullosa simplex, Ogna type (EBS5A). Also called: Pidermolysis bullosa simplex 5A, Ogna type; EPIDERMOLYSIS BULLOSA SIMPLEX 5A, OGNA TYPE. Identifiers: Orphanet 79401, MedGen C0432317, MONDO:0007555, OMIM 131950.
Autosomal recessive limb-girdle muscular dystrophy type 2Q (LGMDR17). Also called: MUSCULAR DYSTROPHY, LIMB-GIRDLE, AUTOSOMAL RECESSIVE 17. Identifiers: Orphanet 254361, MedGen C3150989, MONDO:0013390, OMIM 613723.
Epidermolysis bullosa simplex with nail dystrophy (EBS5D). Identifiers: MedGen C4225309, MONDO:0014661, OMIM 616487.
Epidermolysis bullosa simplex 5B, with muscular dystrophy (EBS5B). Also called: Epidermolysis bullosa simplex with muscular dystrophy; EPIDERMOLYSIS BULLOSA SIMPLEX AND LIMB-GIRDLE MUSCULAR DYSTROPHY. Identifiers: Orphanet 257, MedGen C2931072, MONDO:0009181, OMIM 226670.
Epidermolysis bullosa simplex 5C, with pyloric atresia (EBS5C). Also called: PLEC-Related Epidermolysis Bullosa with Pyloric Atresia; PLEC1-Related Epidermolysis Bullosa with Pyloric Atresia; Epidermolysis bullosa simplex with pyloric atresia. Identifiers: Orphanet 158684, MedGen C2677349, MONDO:0012807, OMIM 612138.

gnomAD v4.1: 1 of 1,612,478 alleles (0.000062%); highest among the groups gnomAD compares: Middle Eastern, 0.017%; no homozygotes.

Submissions (2):

Labcorp Genetics (formerly Invitae), Labcorp
Classification: Uncertain significance for Autosomal recessive limb-girdle muscular dystrophy type 2Q; Epidermolysis bullosa simplex, Ogna type; Epidermolysis bullosa simplex with nail dystrophy; Epidermolysis bullosa simplex 5C, with pyloric atresia; Epidermolysis bullosa simplex 5B, with muscular dystrophy. Last evaluated: 2023-09-11. Review status: criteria provided, single submitter. Criteria: Invitae Variant Classification Sherloc (09022015). Collection method: clinical testing. Allele origin: germline.
Comment: This variant is present in population databases (no rsID available, gnomAD 0.0009%). This sequence change replaces arginine, which is basic and polar, with leucine, which is neutral and non-polar, at codon 499 of the PLEC protein (p.Arg499Leu). In summary, the available evidence is currently insufficient to determine the role of this variant in disease. Therefore, it has been classified as a Variant of Uncertain Significance. Experimental studies and prediction algorithms are not available or were not evaluated, and the functional significance of this variant is currently unknown. ClinVar contains an entry for this variant (Variation ID: 661577). This variant has not been reported in the literature in individuals affected with PLEC-related conditions.

Revvity Omics, Revvity
Classification: Uncertain significance. Last evaluated: 2022-12-21. Review status: criteria provided, single submitter. Criteria: ACMG Guidelines, 2015. Collection method: clinical testing. Allele origin: germline.